The following is an entry in ClinVar:

ClinVar aggregate classification (germline): Likely benign. Review status: criteria provided, multiple submitters, no conflicts (2 of 4 stars). 5 submissions from 5 submitters: Likely benign (4). 1 of the submissions does not count toward it. Last evaluated 2026-01-01.

Conditions:
PKD1-related disorder. Also called: PKD1-related condition.
Inborn genetic diseases. Identifiers: MedGen C0950123, MeSH D030342.

Allele frequency attached by ClinVar (database versions not stated): gnomAD 0.00015; ESP Exome Variant Server 0.00101; ExAC 0.00154.

Submissions (5):

CeGaT Center for Human Genetics Tuebingen
Classification: Likely benign. Last evaluated: 2026-01-01. Review status: criteria provided, single submitter. Criteria: CeGaT Center For Human Genetics Tuebingen Variant Classification Criteria Version 2. Collection method: clinical testing. Allele origin: germline. Affected: yes. Observed: 4 variant alleles.
Comment: PKD1: BP4

Women's Health and Genetics/Laboratory Corporation of America, LabCorp
Classification: Likely benign. Last evaluated: 2025-12-02. Review status: criteria provided, single submitter. Criteria: LabCorp Variant Classification Summary - May 2015. Collection method: clinical testing. Allele origin: germline.
Comment: Variant summary: PKD1 c.2017C>G (p.Pro673Ala) results in a non-conservative amino acid change in the encoded protein sequence. Algorithms developed to predict the effect of missense changes on protein structure and function are either unavailable or do not agree on the potential impact of this missense change. The variant allele was found at a frequency of 0.00033 in 217742 control chromosomes, predominantly at a frequency of 0.005 within the African or African-American subpopulation in the gnomAD database. The observed variant frequency within African or African-American control individuals in the gnomAD database exceeds the estimated maximal expected allele frequency for disease-causing variants in PKD1. To our knowledge, no occurrence of c.2017C>G in individuals affected with PKD1-related conditions and no experimental evidence demonstrating its impact on protein function have been reported. ClinVar contains an entry for this variant (Variation ID: 2578756). Based on the evidence outlined above, the variant was classified as likely benign.

Blueprint Genetics
Classification: Likely benign. Last evaluated: 2024-11-26. Review status: criteria provided, single submitter. Criteria: ACMG Guidelines, 2015. Collection method: clinical testing. Allele origin: germline.

Ambry Genetics
Classification: Likely benign for Inborn genetic diseases. Last evaluated: 2024-05-14. Review status: criteria provided, single submitter. Criteria: Ambry Variant Classification Scheme 2023. Collection method: clinical testing. Allele origin: germline.

PreventionGenetics, part of Exact Sciences
Classification: Benign for PKD1-related condition. Last evaluated: 2022-12-09. Review status: no assertion criteria provided. Collection method: clinical testing. Allele origin: germline. Not counted in ClinVar's aggregate classification.
Comment: This variant is classified as benign based on ACMG/AMP sequence variant interpretation guidelines (Richards et al. 2015 PMID: 25741868, with internal and published modifications).

NM_001009944.3(PKD1):c.2017C>G (p.Pro673Ala)

Gene: PKD1 (polycystin 1, transient receptor potential channel interacting; minus strand). Cytogenetic location: 16p13.3.
Variant type: single nucleotide variant.
Coding change: c.2017C>G on transcript NM_001009944.3 (MANE Select); coding-DNA position 2017, C replaced by G.
Protein change: p.Pro673Ala; replaces proline 673 with alanine.
Molecular consequence: missense variant.
Genome position (GRCh38, 1-based): chr16:2,115,458, G>C on the plus strand (C>G on the coding strand, the complement: PKD1 is on the minus strand). VCF-style: chr16-2115458-G-C. GRCh37 (hg19) VCF-style: chr16-2165459-G-C.
Other names: c.2017C>G (NM_000296.3); c.2017C>G, p.Pro673Ala (NM_000296.4); short protein forms P673A.
Identifiers: ClinVar variation 2578756 (VCV002578756.29), dbSNP rs372961544, ClinGen allele CA7833316.